The following is an entry in ClinVar:

ClinVar aggregate classification (germline): Uncertain significance (1 of 4 stars; one submission).

Submission:

Labcorp Genetics (formerly Invitae), Labcorp
Classification: Uncertain significance. Last evaluated: 2022-11-28. Review status: criteria provided, single submitter. Criteria: Invitae Variant Classification Sherloc (09022015). Collection method: clinical testing. Allele origin: germline.
Comment: Algorithms developed to predict the effect of missense changes on protein structure and function (SIFT, PolyPhen-2, Align-GVGD) all suggest that this variant is likely to be disruptive. This sequence change replaces isoleucine, which is neutral and non-polar, with valine, which is neutral and non-polar, at codon 248 of the ACO2 protein (p.Ile248Val). This variant is not present in population databases (gnomAD no frequency). This variant has not been reported in the literature in individuals affected with ACO2-related conditions. In summary, the available evidence is currently insufficient to determine the role of this variant in disease. Therefore, it has been classified as a Variant of Uncertain Significance.

NM_001098.3(ACO2):c.742A>G (p.Ile248Val)

Gene: ACO2 (aconitase 2; plus strand). Cytogenetic location: 22q13.2.
Variant type: single nucleotide variant.
Coding change: c.742A>G on transcript NM_001098.3 (MANE Select); coding-DNA position 742, A replaced by G.
Protein change: p.Ile248Val; replaces isoleucine 248 with valine.
Molecular consequence: missense variant.
Genome position (GRCh38, 1-based): chr22:41,515,824, A>G. VCF-style: chr22-41515824-A-G. GRCh37 (hg19) VCF-style: chr22-41911828-A-G.
Other names: short protein forms I248V.
Identifiers: ClinVar variation 2106585 (VCV002106585.4), dbSNP rs2518222818, ClinGen allele CA411720067.